The following is an entry in ClinVar:

NM_015425.6(POLR1A):c.2347C>T (p.Arg783Cys)

Gene: POLR1A (RNA polymerase I subunit A; minus strand). Cytogenetic location: 2p11.2.
Variant type: single nucleotide variant.
Coding change: c.2347C>T on transcript NM_015425.6 (MANE Select); coding-DNA position 2347, C replaced by T.
Protein change: p.Arg783Cys; replaces arginine 783 with cysteine.
Molecular consequence: missense variant.
Genome position (GRCh38, 1-based): chr2:86,052,862, G>A on the plus strand (C>T on the coding strand, the complement: POLR1A is on the minus strand). VCF-style: chr2-86052862-G-A. GRCh37 (hg19) VCF-style: chr2-86279985-G-A.
Other names: short protein forms R783C.
Identifiers: ClinVar variation 1433924 (VCV001433924.8), dbSNP rs367827992, ClinGen allele CA51339046.

ClinVar aggregate classification (germline): Uncertain significance (1 of 4 stars; one submission).

Allele frequency attached by ClinVar (database versions not stated): gnomAD exomes below 0.00001; gnomAD 0.00001; TOPMed 0.00001; ESP Exome Variant Server 0.00008.
gnomAD v4.1: 5 of 1,594,642 alleles (0.00031%); highest among the groups gnomAD compares: African/African-American, 0.0027%; no homozygotes.

Submission:

Labcorp Genetics (formerly Invitae), Labcorp
Classification: Uncertain significance. Last evaluated: 2025-09-04. Review status: criteria provided, single submitter. Criteria: Invitae Variant Classification Sherloc (09022015). Collection method: clinical testing. Allele origin: germline.
Comment: This sequence change replaces arginine, which is basic and polar, with cysteine, which is neutral and slightly polar, at codon 783 of the POLR1A protein (p.Arg783Cys). The frequency data for this variant in the population databases is considered unreliable, as metrics indicate poor data quality at this position in the gnomAD database. This variant has not been reported in the literature in individuals affected with POLR1A-related conditions. ClinVar contains an entry for this variant (Variation ID: 1433924). Invitae Evidence Modeling of protein sequence and biophysical properties (such as structural, functional, and spatial information, amino acid conservation, physicochemical variation, residue mobility, and thermodynamic stability) indicates that this missense variant is expected to disrupt POLR1A protein function with a positive predictive value of 80%. In summary, the available evidence is currently insufficient to determine the role of this variant in disease. Therefore, it has been classified as a Variant of Uncertain Significance.